The following is an entry in ClinVar:

ClinVar aggregate classification (germline): Likely benign (1 of 4 stars; one submission).

gnomAD v4.1: 122 of 1,610,680 alleles (0.0076%); highest among the groups gnomAD compares: Non-Finnish European, 0.01%; no homozygotes.

Submission:

CeGaT Center for Human Genetics Tuebingen
Classification: Likely benign. Last evaluated: 2025-01-01. Review status: criteria provided, single submitter. Criteria: CeGaT Center For Human Genetics Tuebingen Variant Classification Criteria Version 2. Collection method: clinical testing. Allele origin: germline. Affected: yes. Observed: 1 variant allele.
Comment: PRR12: BP4, BP7

NM_020719.3(PRR12):c.2151A>C (p.Ala717=)

Gene: PRR12 (proline rich 12; plus strand). Cytogenetic location: 19q13.33.
Variant type: single nucleotide variant.
Coding change: c.2151A>C on transcript NM_020719.3 (MANE Select); coding-DNA position 2151, A replaced by C.
Protein change: p.Ala717=; no amino-acid change (alanine 717 retained).
Molecular consequence: synonymous variant.
Genome position (GRCh38, 1-based): chr19:49,596,486, A>C. VCF-style: chr19-49596486-A-C. GRCh37 (hg19) VCF-style: chr19-50099743-A-C.
Identifiers: ClinVar variation 3771424 (VCV003771424.13).